The following is an entry in ClinVar:

NM_002691.4(POLD1):c.751G>C (p.Glu251Gln)

Gene: POLD1 (DNA polymerase delta 1, catalytic subunit; plus strand). Cytogenetic location: 19q13.33.
Variant type: single nucleotide variant.
Coding change: c.751G>C on transcript NM_002691.4 (MANE Select); coding-DNA position 751, G replaced by C.
Protein change: p.Glu251Gln; replaces glutamic acid 251 with glutamine.
Molecular consequence: missense variant. On other transcripts: non-coding transcript variant (1).
Genome position (GRCh38, 1-based): chr19:50,402,366, G>C. VCF-style: chr19-50402366-G-C. GRCh37 (hg19) VCF-style: chr19-50905623-G-C.
Other names: c.751G>C (NM_002691.2); c.751G>C, p.Glu251Gln (NM_001256849.1, NM_001308632.1); short protein forms E251Q.
Identifiers: ClinVar variation 1524260 (VCV001524260.7), dbSNP rs768314552, ClinGen allele CA9595876.
Genomic context (GRCh38, chr19:50,402,366, plus strand): 5'-ATCCGTGTGGCAGGCCTGGGCACGCCCAGCTTCGCGCCCTACGAGGCCAACGTCGACTTT[G>C]AGATCCGGTACGGCCTCTGCCTCACTTCTCCGGCCTCTATCCCCACCCTCGGGCAGCCCC-3'
Protein context (NP_002682.2, residues 241-261): FAPYEANVDF[Glu251Gln]IRFMVDTDIV

ClinVar aggregate classification (germline): Uncertain significance. Review status: criteria provided, multiple submitters, no conflicts (2 of 4 stars). 2 submissions from 2 submitters: Uncertain significance (2). Last evaluated 2024-03-16.

Conditions:
POLD1-related polyposis and colorectal cancer syndrome (CRCS10). Also called: Colorectal cancer 10; COLORECTAL CANCER, SUSCEPTIBILITY TO, ON CHROMOSOME 19q; Colorectal cancer, susceptibility to, 10. Identifiers: Orphanet 220460, MedGen C2675481, MONDO:0012953, OMIM 612591.
Hereditary cancer-predisposing syndrome. Also called: Neoplastic Syndromes, Hereditary; Tumor predisposition; Hereditary Cancer Syndrome; Hereditary neoplastic syndrome. Identifiers: Orphanet 140162, MedGen C0027672, MeSH D009386, MONDO:0015356.

Allele frequency attached by ClinVar (database versions not stated): gnomAD exomes below 0.00001; ExAC 0.00001.
gnomAD v4.1: 2 of 1,611,348 alleles (0.00012%); highest among the groups gnomAD compares: East Asian, 0.0045%; no homozygotes.

Submissions (2):

Ambry Genetics
Classification: Uncertain significance for Hereditary cancer-predisposing syndrome. Last evaluated: 2024-03-16. Review status: criteria provided, single submitter. Criteria: Ambry Variant Classification Scheme 2023. Collection method: clinical testing. Allele origin: germline.
Comment: The p.E251Q variant (also known as c.751G>C), located in coding exon 5 of the POLD1 gene, results from a G to C substitution at nucleotide position 751. The glutamic acid at codon 251 is replaced by glutamine, an amino acid with highly similar properties. This amino acid position is conserved. In addition, this alteration is predicted to be tolerated by in silico analysis. Based on the available evidence, the clinical significance of this alteration remains unclear.

Labcorp Genetics (formerly Invitae), Labcorp
Classification: Uncertain significance for POLD1-related polyposis and colorectal cancer syndrome. Last evaluated: 2021-11-19. Review status: criteria provided, single submitter. Criteria: Invitae Variant Classification Sherloc (09022015). Collection method: clinical testing. Allele origin: germline.
Comment: In summary, the available evidence is currently insufficient to determine the role of this variant in disease. Therefore, it has been classified as a Variant of Uncertain Significance. Algorithms developed to predict the effect of missense changes on protein structure and function are either unavailable or do not agree on the potential impact of this missense change (SIFT: "Tolerated"; PolyPhen-2: "Probably Damaging"; Align-GVGD: "Class C0"). This variant has not been reported in the literature in individuals affected with POLD1-related conditions. This variant is present in population databases (rs768314552, gnomAD 0.006%). This sequence change replaces glutamic acid, which is acidic and polar, with glutamine, which is neutral and polar, at codon 251 of the POLD1 protein (p.Glu251Gln).